The following is an entry in ClinVar:

ClinVar aggregate classification (germline): Uncertain significance. Review status: criteria provided, multiple submitters, no conflicts (2 of 4 stars). 3 submissions from 3 submitters: Uncertain significance (3). Last evaluated 2025-11-11.

Conditions:
Familial melanoma. Also called: Hereditary melanoma; Hereditary cutaneous melanoma. Identifiers: Orphanet 618, MedGen C1512419, MONDO:0018961.
Hereditary cancer-predisposing syndrome. Also called: Neoplastic Syndromes, Hereditary; Tumor predisposition; Hereditary Cancer Syndrome; Hereditary neoplastic syndrome. Identifiers: Orphanet 140162, MedGen C0027672, MeSH D009386, MONDO:0015356.

Allele frequency attached by ClinVar (database versions not stated): TOPMed below 0.00001; gnomAD exomes 0.00001; ExAC 0.00002.
gnomAD v4.1: 5 of 1,614,200 alleles (0.00031%); highest among the groups gnomAD compares: Non-Finnish European, 0.00042%; no homozygotes.

Submissions (3):

Labcorp Genetics (formerly Invitae), Labcorp
Classification: Uncertain significance for Familial melanoma. Last evaluated: 2025-11-11. Review status: criteria provided, single submitter. Criteria: Invitae Variant Classification Sherloc (09022015). Collection method: clinical testing. Allele origin: germline.
Comment: This sequence change replaces isoleucine, which is neutral and non-polar, with valine, which is neutral and non-polar, at codon 117 of the CDK4 protein (p.Ile117Val). This variant is present in population databases (rs776343973, gnomAD 0.002%). This missense change has been observed in individual(s) with colorectal cancer (PMID: 28135145). ClinVar contains an entry for this variant (Variation ID: 483303). An algorithm developed to predict the effect of missense changes on protein structure and function (PolyPhen-2) suggests that this variant is likely to be tolerated. In summary, the available evidence is currently insufficient to determine the role of this variant in disease. Therefore, it has been classified as a Variant of Uncertain Significance.

Women's Health and Genetics/Laboratory Corporation of America, LabCorp
Classification: Uncertain significance. Last evaluated: 2025-09-19. Review status: criteria provided, single submitter. Criteria: LabCorp Variant Classification Summary - May 2015. Collection method: clinical testing. Allele origin: germline.
Comment: Variant summary: CDK4 c.349A>G (p.Ile117Val) results in a conservative amino acid change in the encoded protein sequence. Algorithms developed to predict the effect of missense changes on protein structure and function are either unavailable or do not agree on the potential impact of this missense change. The variant allele was found at a frequency of 8e-06 in 251486 control chromosomes. The available data on variant occurrences in the general population are insufficient to allow any conclusion about variant significance. c.349A>G has been observed in an individual affected with Colorectal Carcinoma (Yurgelun_2017). These data do not allow any conclusion about variant significance. To our knowledge, no experimental evidence demonstrating an impact on protein function has been reported. The following publication have been ascertained in the context of this evaluation (PMID: 28135145). ClinVar contains an entry for this variant (Variation ID: 483303). Based on the evidence outlined above, the variant was classified as uncertain significance.

Ambry Genetics
Classification: Uncertain significance for Hereditary cancer-predisposing syndrome. Last evaluated: 2025-02-21. Review status: criteria provided, single submitter. Criteria: Ambry Variant Classification Scheme 2023. Collection method: clinical testing. Allele origin: germline.
Comment: The p.I117V variant (also known as c.349A>G), located in coding exon 2 of the CDK4 gene, results from an A to G substitution at nucleotide position 349. The isoleucine at codon 117 is replaced by valine, an amino acid with highly similar properties. This amino acid position is highly conserved in available vertebrate species. In addition, this alteration is predicted to be tolerated by in silico analysis. Based on the available evidence, the clinical significance of this variant remains unclear.

Literature cited by the submitters: PubMed 28135145 (cited by 3 submitters).

NM_000075.4(CDK4):c.349A>G (p.Ile117Val)

Gene: CDK4 (cyclin dependent kinase 4; minus strand). Cytogenetic location: 12q14.1.
Variant type: single nucleotide variant.
Coding change: c.349A>G on transcript NM_000075.4 (MANE Select); coding-DNA position 349, A replaced by G.
Protein change: p.Ile117Val; replaces isoleucine 117 with valine.
Molecular consequence: missense variant.
Genome position (GRCh38, 1-based): chr12:57,751,212, T>C on the plus strand (A>G on the coding strand, the complement: CDK4 is on the minus strand). VCF-style: chr12-57751212-T-C. GRCh37 (hg19) VCF-style: chr12-58144995-T-C.
Other names: short protein forms I117V.
Identifiers: ClinVar variation 483303 (VCV000483303.15), dbSNP rs776343973, ClinGen allele CA6657839.